The following is an entry in ClinVar:

ClinVar aggregate classification (germline): Likely benign (1 of 4 stars; one submission).

Submission:

GeneDx
Classification: Likely benign. Last evaluated: 2015-10-06. Review status: criteria provided, single submitter. Criteria: GeneDx Variant Classification (06012015). Collection method: clinical testing. Allele origin: germline. Affected: yes.
Comment: This variant is considered likely benign or benign based on one or more of the following criteria: it is a conservative change, it occurs at a poorly conserved position in the protein, it is predicted to be benign by multiple in silico algorithms, and/or has population frequency not consistent with disease.

NM_000059.4(BRCA2):c.9649-13A>G

Gene: BRCA2 (BRCA2 DNA repair associated; plus strand). Cytogenetic location: 13q13.1.
Variant type: single nucleotide variant.
Coding change: c.9649-13A>G on transcript NM_000059.4 (MANE Select); 13 bases into the intron before coding-DNA position 9649, A replaced by G.
Molecular consequence: intron variant.
Genome position (GRCh38, 1-based): chr13:32,398,149, A>G. VCF-style: chr13-32398149-A-G. GRCh37 (hg19) VCF-style: chr13-32972286-A-G.
Identifiers: ClinVar variation 380959 (VCV000380959.1), dbSNP rs1057520914, ClinGen allele CA16606707.
Genomic context (GRCh38, chr13:32,398,149, plus strand): 5'-GAAAAGTTACTTTGATTTAGTTTTTTATGTTACTACATAATTATGATAGGCTACGTTTTC[A>G]TTTTTTTATCAGATGTCTTCTCCTAATTGTGAGATATATTATCAAAGTCCTTTATCACTT-3'